The following is an entry in ClinVar:

ClinVar aggregate classification (germline): Uncertain significance (1 of 4 stars; one submission).

Allele frequency attached by ClinVar (database versions not stated): gnomAD exomes below 0.00001; TOPMed below 0.00001.
gnomAD v4.1: 1 of 1,604,760 alleles (0.000062%); highest among the groups gnomAD compares: African/African-American, 0.0013%; no homozygotes.

Submission:

Labcorp Genetics (formerly Invitae), Labcorp
Classification: Uncertain significance. Last evaluated: 2025-06-12. Review status: criteria provided, single submitter. Criteria: Invitae Variant Classification Sherloc (09022015). Collection method: clinical testing. Allele origin: germline.
Comment: This sequence change replaces valine, which is neutral and non-polar, with alanine, which is neutral and non-polar, at codon 2567 of the FBN3 protein (p.Val2567Ala). This variant is not present in population databases (gnomAD no frequency). This variant has not been reported in the literature in individuals affected with FBN3-related conditions. ClinVar contains an entry for this variant (Variation ID: 2696300). An algorithm developed to predict the effect of missense changes on protein structure and function (PolyPhen-2) suggests that this variant is likely to be disruptive. In summary, the available evidence is currently insufficient to determine the role of this variant in disease. Therefore, it has been classified as a Variant of Uncertain Significance.

NM_032447.5(FBN3):c.7700T>C (p.Val2567Ala)

Gene: FBN3 (fibrillin 3; minus strand). Cytogenetic location: 19p13.2.
Variant type: single nucleotide variant.
Coding change: c.7700T>C on transcript NM_032447.5 (MANE Select); coding-DNA position 7700, T replaced by C.
Protein change: p.Val2567Ala; replaces valine 2567 with alanine.
Molecular consequence: missense variant.
Genome position (GRCh38, 1-based): chr19:8,075,073, A>G on the plus strand (T>C on the coding strand, the complement: FBN3 is on the minus strand). VCF-style: chr19-8075073-A-G. GRCh37 (hg19) VCF-style: chr19-8139957-A-G.
Other names: c.7700T>C, p.Val2567Ala (NM_001321431.2); short protein forms V2567A.
Identifiers: ClinVar variation 2696300 (VCV002696300.3), dbSNP rs2081607600, ClinGen allele CA403701397.